The following is an entry in ClinVar:

NM_032119.4(ADGRV1):c.16997C>G (p.Ala5666Gly)

Gene: ADGRV1 (adhesion G protein-coupled receptor V1; plus strand). Cytogenetic location: 5q14.3.
Variant type: single nucleotide variant.
Coding change: c.16997C>G on transcript NM_032119.4 (MANE Select); coding-DNA position 16997, C replaced by G.
Protein change: p.Ala5666Gly; replaces alanine 5666 with glycine.
Molecular consequence: missense variant. On other transcripts: non-coding transcript variant (1).
Genome position (GRCh38, 1-based): chr5:90,840,963, C>G. VCF-style: chr5-90840963-C-G. GRCh37 (hg19) VCF-style: chr5-90136780-C-G.
Other names: short protein forms A5666G.
Identifiers: ClinVar variation 3336104 (VCV003336104.1).
Genomic context (GRCh38, chr5:90,840,963, plus strand): 5'-GAGTGCTCCATACCATCAGCATGAAAGTGGCCACAGAAAACACAGATGAACAACTCAGTG[C>G]CATGATGCATTTAATAGAAAAGGTAAGTTTTTGTGAATATTAGTAATTTGTTTAGTGAAA-3'
Protein context (NP_115495.3, residues 5656-5676): ATENTDEQLS[Ala5666Gly]MMHLIEKITT

ClinVar aggregate classification (germline): Uncertain significance (1 of 4 stars; one submission).

Submission:

Women's Health and Genetics/Laboratory Corporation of America, LabCorp
Classification: Uncertain significance. Last evaluated: 2024-05-08. Review status: criteria provided, single submitter. Criteria: LabCorp Variant Classification Summary - May 2015. Collection method: clinical testing. Allele origin: germline.
Comment: Variant summary: ADGRV1 c.16997C>G (p.Ala5666Gly) results in a non-conservative amino acid change in the encoded protein sequence. Three of five in-silico tools predict a benign effect of the variant on protein function. The variant was absent in 156558 control chromosomes. The available data on variant occurrences in the general population are insufficient to allow any conclusion about variant significance. To our knowledge, no occurrence of c.16997C>G in individuals affected with ADGRV1-Related Disorders and no experimental evidence demonstrating its impact on protein function have been reported. No submitters have cited clinical-significance assessments for this variant to ClinVar. Based on the evidence outlined above, the variant was classified as uncertain significance.